The following is an entry in ClinVar:

ClinVar aggregate classification (germline): Uncertain significance. Review status: criteria provided, multiple submitters, no conflicts (2 of 4 stars). 5 submissions from 5 submitters: Uncertain significance (5). Last evaluated 2025-07-11.

Conditions:
Inborn genetic diseases. Identifiers: MedGen C0950123, MeSH D030342.
Hermansky-Pudlak syndrome 2 (HPS2). Also called: Platelet defects and oculocutaneous albinism. Identifiers: Orphanet 183678, Orphanet 79430, MedGen C1842362, MONDO:0011997, OMIM 608233.

Allele frequency attached by ClinVar (database versions not stated): gnomAD exomes 0.00005 and 0.00008; ExAC 0.00008; ESP Exome Variant Server 0.00008; gnomAD 0.00014 and 0.00015; TOPMed 0.00019.
gnomAD v4.1: 106 of 1,613,964 alleles (0.0066%); highest among the groups gnomAD compares: Admixed American, 0.043%; no homozygotes.

Submissions (5):

GeneDx
Classification: Uncertain significance. Last evaluated: 2025-07-11. Review status: criteria provided, single submitter. Criteria: GeneDx Variant Classification Process June 2021. Collection method: clinical testing. Allele origin: germline. Affected: yes.
Comment: In silico analysis suggests that this missense variant does not alter protein structure/function; Has not been previously published as pathogenic or benign to our knowledge

Mayo Clinic Laboratories, Mayo Clinic
Classification: Uncertain significance. Last evaluated: 2025-01-02. Review status: criteria provided, single submitter. Criteria: ACMG Guidelines, 2015. Collection method: clinical testing. Allele origin: germline. Observed: 1 variant allele.
Comment: BP4_moderate, PM1_supporting

Labcorp Genetics (formerly Invitae), Labcorp
Classification: Uncertain significance for Hermansky-Pudlak syndrome 2. Last evaluated: 2024-10-22. Review status: criteria provided, single submitter. Criteria: Invitae Variant Classification Sherloc (09022015). Collection method: clinical testing. Allele origin: germline.
Comment: This sequence change replaces lysine, which is basic and polar, with glutamic acid, which is acidic and polar, at codon 747 of the AP3B1 protein (p.Lys747Glu). This variant is present in population databases (rs201886263, gnomAD 0.04%). This variant has not been reported in the literature in individuals affected with AP3B1-related conditions. ClinVar contains an entry for this variant (Variation ID: 641489). An algorithm developed to predict the effect of missense changes on protein structure and function (PolyPhen-2) suggests that this variant¬†is likely to be tolerated. In summary, the available evidence is currently insufficient to determine the role of this variant in disease. Therefore, it has been classified as a Variant of Uncertain Significance.

Ambry Genetics
Classification: Uncertain significance for Inborn genetic diseases. Last evaluated: 2022-06-24. Review status: criteria provided, single submitter. Criteria: Ambry Variant Classification Scheme 2023. Collection method: clinical testing. Allele origin: germline.

Fulgent Genetics
Classification: Uncertain significance for Hermansky-Pudlak syndrome 2. Last evaluated: 2022-02-24. Review status: criteria provided, single submitter. Criteria: ACMG Guidelines, 2015. Collection method: clinical testing. Allele origin: unknown.

NM_003664.5(AP3B1):c.2239A>G (p.Lys747Glu)

Gene: AP3B1 (adaptor related protein complex 3 subunit beta 1; minus strand). Cytogenetic location: 5q14.1.
Variant type: single nucleotide variant.
Coding change: c.2239A>G on transcript NM_003664.5 (MANE Select); coding-DNA position 2239, A replaced by G.
Protein change: p.Lys747Glu; replaces lysine 747 with glutamic acid.
Molecular consequence: missense variant.
Genome position (GRCh38, 1-based): chr5:78,113,762, T>C on the plus strand (A>G on the coding strand, the complement: AP3B1 is on the minus strand). VCF-style: chr5-78113762-T-C. GRCh37 (hg19) VCF-style: chr5-77409586-T-C.
Other names: p.Lys747Glu; c.2239A>G (NM_003664.3); c.2092A>G, p.Lys698Glu (NM_001271769.2); short protein forms K698E, K747E.
Identifiers: ClinVar variation 641489 (VCV000641489.9), dbSNP rs201886263, ClinGen allele CA3316825.